The following is an entry in ClinVar:

ClinVar aggregate classification (germline): Pathogenic (1 of 4 stars; one submission).

Conditions:
Thrombophilia, X-linked, due to factor 9 defect. Identifiers: MedGen C2749016, MONDO:0010432, OMIM 300807.
Hereditary factor IX deficiency disease (HEMB). Also called: Christmas Disease; F9 DEFICIENCY; FACTOR IX DEFICIENCY; PLASMA THROMBOPLASTIN COMPONENT DEFICIENCY; Hemophilia B. Identifiers: Orphanet 98879, MedGen C0008533, MeSH D002836, MONDO:0010604, OMIM 306900.

Submission:

Labcorp Genetics (formerly Invitae), Labcorp
Classification: Pathogenic for Thrombophilia, X-linked, due to factor 9 defect; Hereditary factor IX deficiency disease. Last evaluated: 2022-03-28. Review status: criteria provided, single submitter. Criteria: Invitae Variant Classification Sherloc (09022015). Collection method: clinical testing. Allele origin: germline.
Comment: This variant disrupts the p.Arg294Gln amino acid residue in F9. Other variant(s) that disrupt this residue have been determined to be pathogenic (PMID: 2472424, 19699296, 22103590, 22544209, 24375831, 29993188; Invitae). This suggests that this residue is clinically significant, and that variants that disrupt this residue are likely to be disease-causing. For these reasons, this variant has been classified as Pathogenic. Algorithms developed to predict the effect of missense changes on protein structure and function are either unavailable or do not agree on the potential impact of this missense change (SIFT: "Tolerated"; PolyPhen-2: "Probably Damaging"; Align-GVGD: "Class C0"). This sequence change replaces arginine, which is basic and polar, with leucine, which is neutral and non-polar, at codon 294 of the F9 protein (p.Arg294Leu). This variant is not present in population databases (gnomAD no frequency). This missense change has been observed in individuals with hemophilia B (PMID: 22103590, 24375831).

Literature cited by the submitters: PubMed 2472424; PubMed 19699296; PubMed 22103590; PubMed 22544209; PubMed 24375831; PubMed 29993188.

NM_000133.4(F9):c.881G>T (p.Arg294Leu)

Gene: F9 (coagulation factor IX; plus strand). Cytogenetic location: Xq27.1.
Variant type: single nucleotide variant.
Coding change: c.881G>T on transcript NM_000133.4 (MANE Select); coding-DNA position 881, G replaced by T.
Protein change: p.Arg294Leu; replaces arginine 294 with leucine.
Molecular consequence: missense variant.
Genome position (GRCh38, 1-based): chrX:139,561,566, G>T. VCF-style: chrX-139561566-G-T. GRCh37 (hg19) VCF-style: chrX-138643725-G-T.
Other names: c.767G>T, p.Arg256Leu (NM_001313913.2); short protein forms R294L, R256L.
Identifiers: ClinVar variation 2138741 (VCV002138741.4), dbSNP rs137852249, ClinGen allele CA414444639.